The following is an entry in ClinVar:

ClinVar aggregate classification (germline): Likely pathogenic (1 of 4 stars; one submission).

Conditions:
Rhabdoid tumor predisposition syndrome 2 (RTPS2). Identifiers: Orphanet 231108, Orphanet 69077, MedGen C2750074, MONDO:0013224, OMIM 613325.

Submission:

Labcorp Genetics (formerly Invitae), Labcorp
Classification: Likely pathogenic for Rhabdoid tumor predisposition syndrome 2. Last evaluated: 2025-06-16. Review status: criteria provided, single submitter. Criteria: Invitae Variant Classification Sherloc (09022015). Collection method: clinical testing. Allele origin: germline.
Comment: This sequence change affects a donor splice site in intron 11 of the SMARCA4 gene. It is expected to disrupt RNA splicing. Variants that disrupt the donor or acceptor splice site typically lead to a loss of protein function (PMID: 16199547), and loss-of-function variants in SMARCA4 are known to be pathogenic (PMID: 24658001, 24658002). This variant is not present in population databases (gnomAD no frequency). This variant has not been reported in the literature in individuals affected with SMARCA4-related conditions. Algorithms developed to predict the effect of sequence changes on RNA splicing suggest that this variant may disrupt the consensus splice site. In summary, the currently available evidence indicates that the variant is pathogenic, but additional data are needed to prove that conclusively. Therefore, this variant has been classified as Likely Pathogenic.

Literature cited by the submitters: PubMed 16199547; PubMed 24658001; PubMed 24658002.

NM_003072.5(SMARCA4):c.1812+1G>T

Gene: SMARCA4 (SWI/SNF related BAF chromatin remodeling complex subunit ATPase 4; plus strand). Cytogenetic location: 19p13.2.
Variant type: single nucleotide variant.
Coding change: c.1812+1G>T on transcript NM_003072.5 (MANE Select); the canonical splice donor site of the intron after coding-DNA position 1812, G replaced by T.
Molecular consequence: splice donor variant.
Genome position (GRCh38, 1-based): chr19:10,996,545, G>T. VCF-style: chr19-10996545-G-T. GRCh37 (hg19) VCF-style: chr19-11107221-G-T.
Other names: c.1812+1G>T (NM_001128844.3, NM_001128849.3, NM_001128847.4 and 6 more transcripts).
Identifiers: ClinVar variation 4703752 (VCV004703752.1).